The following is an entry in ClinVar:

NM_001365536.1(SCN9A):c.3809T>C (p.Leu1270Ser)

Genes: SCN9A (sodium voltage-gated channel alpha subunit 9; minus strand), SCN1A-AS1 (SCN1A and SCN9A antisense RNA 1; plus strand). Cytogenetic location: 2q24.3.
Variant type: single nucleotide variant.
Coding change: c.3809T>C on transcript NM_001365536.1 (MANE Select); coding-DNA position 3809, T replaced by C.
Protein change: p.Leu1270Ser; replaces leucine 1270 with serine.
Molecular consequence: missense variant.
Genome position (GRCh38, 1-based): chr2:166,233,455, A>G on the plus strand (T>C on the coding strand, the complement: SCN9A is on the minus strand). VCF-style: chr2-166233455-A-G. GRCh37 (hg19) VCF-style: chr2-167089965-A-G.
Other names: c.3776T>C, p.Leu1259Ser (NM_002977.4); short protein forms L1259S, L1270S.
Identifiers: ClinVar variation 1493695 (VCV001493695.8), dbSNP rs913009396, ClinGen allele CA59812169.
Genomic context (GRCh38, chr2:166,233,455, plus strand): 5'-CGAAGGGATTTAATGGGGCCAAGATCTGAGTAGCCAAGAGTGTTTGCCACTAAAGTAACC[A>G]AAGAAACCTATAAAAATAACATTTTCATTAATTGTGTCAATAAAATGATGAAGCATAAAA-3'
Protein context (NP_001352465.1, residues 1260-1280): WLDFLIVDVS[Leu1270Ser]VTLVANTLGY

ClinVar aggregate classification (germline): Uncertain significance (1 of 4 stars; one submission).

Conditions:
Generalized epilepsy with febrile seizures plus, type 7 (GEFSP7). Also called: GEFS+, TYPE 7. Identifiers: Orphanet 36387, MedGen C2751778, MONDO:0013470, OMIM 613863.
Neuropathy, hereditary sensory and autonomic, type 2A (HSAN2A). Also called: ACROOSTEOLYSIS, GIACCAI TYPE; ACROOSTEOLYSIS, NEUROGENIC; HSAN IIA; MORVAN DISEASE; NEUROPATHY, CONGENITAL SENSORY; NEUROPATHY, HEREDITARY SENSORY RADICULAR, AUTOSOMAL RECESSIVE. Identifiers: Orphanet 970, MedGen C2752089, MONDO:0024309, OMIM 201300.

Allele frequency attached by ClinVar (database versions not stated): gnomAD exomes below 0.00001.
gnomAD v4.1: 2 of 1,566,976 alleles (0.00013%); highest among the groups gnomAD compares: Admixed American, 0.0022%; no homozygotes.

Submission:

Labcorp Genetics (formerly Invitae), Labcorp
Classification: Uncertain significance for Neuropathy, hereditary sensory and autonomic, type 2A; Generalized epilepsy with febrile seizures plus, type 7. Last evaluated: 2023-12-11. Review status: criteria provided, single submitter. Criteria: Invitae Variant Classification Sherloc (09022015). Collection method: clinical testing. Allele origin: germline.
Comment: This sequence change replaces leucine, which is neutral and non-polar, with serine, which is neutral and polar, at codon 1259 of the SCN9A protein (p.Leu1259Ser). The frequency data for this variant in the population databases is considered unreliable, as metrics indicate poor data quality at this position in the gnomAD database. This variant has not been reported in the literature in individuals affected with SCN9A-related conditions. ClinVar contains an entry for this variant (Variation ID: 1493695). Advanced modeling of protein sequence and biophysical properties (such as structural, functional, and spatial information, amino acid conservation, physicochemical variation, residue mobility, and thermodynamic stability) performed at Invitae indicates that this missense variant is not expected to disrupt SCN9A protein function with a negative predictive value of 80%. In summary, the available evidence is currently insufficient to determine the role of this variant in disease. Therefore, it has been classified as a Variant of Uncertain Significance.